The following is an entry in ClinVar:

ClinVar aggregate classification (germline): Likely benign (0 of 4 stars; one submission).

Conditions:
PLXNA1-related disorder. Also called: PLXNA1-related condition.

gnomAD v4.1: 14 of 1,613,164 alleles (0.00087%); highest among the groups gnomAD compares: African/African-American, 0.004%; no homozygotes.

Submission:

PreventionGenetics, part of Exact Sciences
Classification: Likely benign for PLXNA1-related condition. Last evaluated: 2024-03-24. Review status: no assertion criteria provided. Collection method: clinical testing. Allele origin: germline.
Comment: This variant is classified as likely benign based on ACMG/AMP sequence variant interpretation guidelines (Richards et al. 2015 PMID: 25741868, with internal and published modifications).

NM_032242.4(PLXNA1):c.3576C>T (p.Ile1192=)

Gene: PLXNA1 (plexin A1; plus strand). Cytogenetic location: 3q21.3.
Variant type: single nucleotide variant.
Coding change: c.3576C>T on transcript NM_032242.4 (MANE Select); coding-DNA position 3576, C replaced by T.
Protein change: p.Ile1192=; no amino-acid change (isoleucine 1192 retained).
Molecular consequence: synonymous variant.
Genome position (GRCh38, 1-based): chr3:127,017,808, C>T. VCF-style: chr3-127017808-C-T. GRCh37 (hg19) VCF-style: chr3-126736651-C-T.
Identifiers: ClinVar variation 3358731 (VCV003358731.1).